The following is an entry in ClinVar:

NM_000274.4(OAT):c.992G>A (p.Arg331Gln)

Gene: OAT (ornithine aminotransferase; minus strand). Cytogenetic location: 10q26.13.
Variant type: single nucleotide variant.
Coding change: c.992G>A on transcript NM_000274.4 (MANE Select); coding-DNA position 992, G replaced by A.
Protein change: p.Arg331Gln; replaces arginine 331 with glutamine.
Molecular consequence: missense variant.
Genome position (GRCh38, 1-based): chr10:124,401,748, C>T on the plus strand (G>A on the coding strand, the complement: OAT is on the minus strand). VCF-style: chr10-124401748-C-T. GRCh37 (hg19) VCF-style: chr10-126090317-C-T.
Other names: c.578G>A, p.Arg193Gln (NM_001171814.2); c.992G>A, p.Arg331Gln (NM_001322965.2, NM_001322966.2, NM_001322967.2 and 3 more transcripts); c.671G>A, p.Arg224Gln (NM_001322971.2); c.392G>A, p.Arg131Gln (NM_001322974.2); short protein forms R331Q, R224Q, R131Q, R193Q.
Identifiers: ClinVar variation 2083934 (VCV002083934.1), dbSNP rs201504751, ClinGen allele CA5733368.

ClinVar aggregate classification (germline): Uncertain significance (1 of 4 stars; one submission).

Conditions:
Ornithine aminotransferase deficiency (GACR). Also called: Ornithine ketoacid aminotransferase deficiency; Gyrate atrophy; Gyrate atrophy of choroid and retina; Girate atrophy of the retina; OAT DEFICIENCY; OKT DEFICIENCY. Identifiers: Orphanet 414, MedGen C0018425, MONDO:0009796, OMIM 258870.

Allele frequency attached by ClinVar (database versions not stated): ExAC 0.00002; ESP Exome Variant Server 0.00008; 1000 Genomes Project 30x 0.00016; 1000 Genomes Project 0.00020.
gnomAD v4.1: 35 of 1,612,258 alleles (0.0022%); highest among the groups gnomAD compares: Middle Eastern, 0.017%; no homozygotes.

Submission:

Labcorp Genetics (formerly Invitae), Labcorp
Classification: Uncertain significance for Ornithine aminotransferase deficiency. Last evaluated: 2022-08-16. Review status: criteria provided, single submitter. Criteria: Invitae Variant Classification Sherloc (09022015). Collection method: clinical testing. Allele origin: germline.
Comment: This sequence change replaces arginine, which is basic and polar, with glutamine, which is neutral and polar, at codon 331 of the OAT protein (p.Arg331Gln). This variant is present in population databases (rs201504751, gnomAD 0.003%). This variant has not been reported in the literature in individuals affected with OAT-related conditions. Algorithms developed to predict the effect of missense changes on protein structure and function (SIFT, PolyPhen-2, Align-GVGD) all suggest that this variant is likely to be tolerated. In summary, the available evidence is currently insufficient to determine the role of this variant in disease. Therefore, it has been classified as a Variant of Uncertain Significance.